The following is an entry in ClinVar:

ClinVar aggregate classification (germline): Pathogenic (1 of 4 stars; one submission).

Submission:

Labcorp Genetics (formerly Invitae), Labcorp
Classification: Pathogenic. Last evaluated: 2021-07-17. Review status: criteria provided, single submitter. Criteria: Invitae Variant Classification Sherloc (09022015). Collection method: clinical testing. Allele origin: germline.
Comment: This sequence change creates a premature translational stop signal (p.Gly704*) in the ADAMTS18 gene. It is expected to result in an absent or disrupted protein product. Loss-of-function variants in ADAMTS18 are known to be pathogenic (PMID: 23818446, 24874986). For these reasons, this variant has been classified as Pathogenic. ClinVar contains an entry for this variant (Variation ID: 948164). This variant has not been reported in the literature in individuals affected with ADAMTS18-related conditions. This variant is not present in population databases (ExAC no frequency).

Literature cited by the submitters: PubMed 23818446; PubMed 24874986.

NM_199355.4(ADAMTS18):c.2110G>T (p.Gly704Ter)

Gene: ADAMTS18 (ADAM metallopeptidase with thrombospondin type 1 motif 18; minus strand). Cytogenetic location: 16q23.1.
Variant type: single nucleotide variant.
Coding change: c.2110G>T on transcript NM_199355.4 (MANE Select); coding-DNA position 2110, G replaced by T.
Protein change: p.Gly704Ter; replaces glycine 704 with a stop codon.
Molecular consequence: nonsense.
Genome position (GRCh38, 1-based): chr16:77,322,389, C>A on the plus strand (G>T on the coding strand, the complement: ADAMTS18 is on the minus strand). VCF-style: chr16-77322389-C-A. GRCh37 (hg19) VCF-style: chr16-77356286-C-A.
Other names: c.1594G>T, p.Gly532Ter (NM_001326358.2); short protein forms G532*, G704*.
Identifiers: ClinVar variation 948164 (VCV000948164.7), dbSNP rs2056017907, ClinGen allele CA396828543.